The following is an entry in ClinVar:

ClinVar aggregate classification (germline): Uncertain significance (1 of 4 stars; one submission).

Conditions:
Alstrom syndrome (ALMS). Identifiers: Orphanet 64, MedGen C0268425, MONDO:0008763, OMIM 203800.

Submission:

Labcorp Genetics (formerly Invitae), Labcorp
Classification: Uncertain significance for Alstrom syndrome. Last evaluated: 2022-03-09. Review status: criteria provided, single submitter. Criteria: Invitae Variant Classification Sherloc (09022015). Collection method: clinical testing. Allele origin: germline.
Comment: This sequence change replaces alanine, which is neutral and non-polar, with aspartic acid, which is acidic and polar, at codon 4025 of the ALMS1 protein (p.Ala4025Asp). This variant is not present in population databases (gnomAD no frequency). This variant has not been reported in the literature in individuals affected with ALMS1-related conditions. Experimental studies and prediction algorithms are not available or were not evaluated, and the functional significance of this variant is currently unknown. In summary, the available evidence is currently insufficient to determine the role of this variant in disease. Therefore, it has been classified as a Variant of Uncertain Significance.

NM_001378454.1(ALMS1):c.12071C>A (p.Ala4024Asp)

Genes: ALMS1 (ALMS1 centrosome and basal body associated protein; plus strand), LOC126806252 (BRD4-independent group 4 enhancer GRCh37_chr2:73828496-73829695; plus strand). Cytogenetic location: 2p13.1.
Variant type: single nucleotide variant.
Coding change: c.12071C>A on transcript NM_001378454.1 (MANE Select); coding-DNA position 12071, C replaced by A.
Protein change: p.Ala4024Asp; replaces alanine 4024 with aspartic acid.
Molecular consequence: missense variant.
Genome position (GRCh38, 1-based): chr2:73,601,393, C>A. VCF-style: chr2-73601393-C-A. GRCh37 (hg19) VCF-style: chr2-73828520-C-A.
Other names: c.12074C>A, p.Ala4025Asp (NM_015120.4); short protein forms A4025D, A4024D.
Identifiers: ClinVar variation 1471252 (VCV001471252.3), dbSNP rs372211401, ClinGen allele CA347266928.